The following is an entry in ClinVar:

NM_016213.5(TRIP4):c.422del (p.Asn141fs)

Gene: TRIP4 (thyroid hormone receptor interactor 4; plus strand). Cytogenetic location: 15q22.31.
Variant type: Deletion.
Coding change: c.422del on transcript NM_016213.5 (MANE Select); coding-DNA position 422, one base deleted (A; older notation c.422delA).
Protein change: p.Asn141fs; shifts the reading frame from asparagine 141.
Molecular consequence: frameshift variant. On other transcripts: 5 prime UTR variant (1), non-coding transcript variant (1).
Genome position (GRCh38, 1-based): chr15:64,397,622, A deleted; the last of 2 consecutive A bases (chr15:64,397,621-64,397,622); deleting either gives the same sequence. VCF-style (leftmost placement, unchanged base first): chr15-64397620-CA-C. GRCh37 (hg19) VCF-style: chr15-64689819-CA-C.
Other names: c.-269del (NM_001321924.2); short protein forms N141fs.
Identifiers: ClinVar variation 2002769 (VCV002002769.4), dbSNP rs2505410422, ClinGen allele CA2580089854.

ClinVar aggregate classification (germline): Pathogenic (1 of 4 stars; one submission).

Submission:

Labcorp Genetics (formerly Invitae), Labcorp
Classification: Pathogenic. Last evaluated: 2022-06-08. Review status: criteria provided, single submitter. Criteria: Invitae Variant Classification Sherloc (09022015). Collection method: clinical testing. Allele origin: germline.
Comment: For these reasons, this variant has been classified as Pathogenic. This variant has not been reported in the literature in individuals affected with TRIP4-related conditions. This variant is not present in population databases (gnomAD no frequency). This sequence change creates a premature translational stop signal (p.Asn141Thrfs*3) in the TRIP4 gene. It is expected to result in an absent or disrupted protein product. Loss-of-function variants in TRIP4 are known to be pathogenic (PMID: 26924529, 27008887).

Literature cited by the submitters: PubMed 26924529; PubMed 27008887.